The following is an entry in ClinVar:

ClinVar aggregate classification (germline): Uncertain significance (1 of 4 stars; one submission).

Conditions:
Werner syndrome (WRN). Identifiers: Orphanet 902, MedGen C0043119, MONDO:0010196, OMIM 277700.

Allele frequency attached by ClinVar (database versions not stated): gnomAD exomes below 0.00001; TOPMed 0.00001; ExAC 0.00002.
gnomAD v4.1: 5 of 1,613,640 alleles (0.00031%); highest among the groups gnomAD compares: East Asian, 0.011%; no homozygotes.

Submission:

Labcorp Genetics (formerly Invitae), Labcorp
Classification: Uncertain significance for Werner syndrome. Last evaluated: 2019-06-05. Review status: criteria provided, single submitter. Criteria: Invitae Variant Classification Sherloc (09022015). Collection method: clinical testing. Allele origin: germline.
Comment: This sequence change replaces isoleucine with threonine at codon 1252 of the WRN protein (p.Ile1252Thr). The isoleucine residue is weakly conserved and there is a moderate physicochemical difference between isoleucine and threonine. This variant is present in population databases (rs751754209, ExAC 0.01%). This variant has not been reported in the literature in individuals with WRN-related disease. Algorithms developed to predict the effect of missense changes on protein structure and function output the following: SIFT: Tolerated; PolyPhen-2: Benign; Align-GVGD: Class C0. The threonine amino acid residue is found in multiple mammalian species, suggesting that this missense change does not adversely affect protein function. These predictions have not been confirmed by published functional studies and their clinical significance is uncertain. In summary, the available evidence is currently insufficient to determine the role of this variant in disease. Therefore, it has been classified as a Variant of Uncertain Significance.

NM_000553.6(WRN):c.3755T>C (p.Ile1252Thr)

Gene: WRN (WRN RecQ like helicase; plus strand). Cytogenetic location: 8p12.
Variant type: single nucleotide variant.
Coding change: c.3755T>C on transcript NM_000553.6 (MANE Select); coding-DNA position 3755, T replaced by C.
Protein change: p.Ile1252Thr; replaces isoleucine 1252 with threonine.
Molecular consequence: missense variant.
Genome position (GRCh38, 1-based): chr8:31,154,691, T>C. VCF-style: chr8-31154691-T-C. GRCh37 (hg19) VCF-style: chr8-31012207-T-C.
Other names: short protein forms I1252T.
Identifiers: ClinVar variation 950943 (VCV000950943.2), dbSNP rs751754209, ClinGen allele CA4705170.
Genomic context (GRCh38, chr8:31,154,691, plus strand): 5'-TCTTTTCAAGTACAAAACCTCAAGAAGAACAGAAGACGAGTCTGGTAGCAAAAAATAAAA[T>C]ATGCACACTTTCACAGTCTATGGCCATCACATACTCTTTATTCCAAGAAAAGAAGATGCC-3'
Protein context (NP_000544.2, residues 1242-1262): QKTSLVAKNK[Ile1252Thr]CTLSQSMAIT